The following is an entry in ClinVar:

ClinVar aggregate classification (germline): Uncertain significance (1 of 4 stars; one submission).

Allele frequency attached by ClinVar (database versions not stated): gnomAD exomes below 0.00001.
gnomAD v4.1: 1 of 1,613,488 alleles (0.000062%); highest among the groups gnomAD compares: Admixed American, 0.0017%; no homozygotes.

Submission:

Labcorp Genetics (formerly Invitae), Labcorp
Classification: Uncertain significance. Last evaluated: 2026-01-05. Review status: criteria provided, single submitter. Criteria: Invitae Variant Classification Sherloc (09022015). Collection method: clinical testing. Allele origin: germline.
Comment: This sequence change replaces glutamic acid, which is acidic and polar, with lysine, which is basic and polar, at codon 710 of the IARS protein (p.Glu710Lys). This variant is present in population databases (no rsID available, gnomAD 0.003%). This variant has not been reported in the literature in individuals affected with IARS-related conditions. ClinVar contains an entry for this variant (Variation ID: 1969306). An algorithm developed to predict the effect of missense changes on protein structure and function (PolyPhen-2) suggests that this variant is likely to be disruptive. In summary, the available evidence is currently insufficient to determine the role of this variant in disease. Therefore, it has been classified as a Variant of Uncertain Significance.

NM_002161.6(IARS1):c.2128G>A (p.Glu710Lys)

Gene: IARS1 (isoleucyl-tRNA synthetase 1; minus strand). Cytogenetic location: 9q22.31.
Variant type: single nucleotide variant.
Coding change: c.2128G>A on transcript NM_002161.6 (MANE Select); coding-DNA position 2128, G replaced by A.
Protein change: p.Glu710Lys; replaces glutamic acid 710 with lysine.
Molecular consequence: missense variant. On other transcripts: non-coding transcript variant (1).
Genome position (GRCh38, 1-based): chr9:92,256,689, C>T on the plus strand (G>A on the coding strand, the complement: IARS1 is on the minus strand). VCF-style: chr9-92256689-C-T. GRCh37 (hg19) VCF-style: chr9-95018971-C-T.
Other names: c.2128G>A, p.Glu710Lys (NM_001374299.1, NM_001374300.1, NM_001378572.1 and 13 more transcripts); c.2044G>A, p.Glu682Lys (NM_001374301.1); c.2191G>A, p.Glu731Lys (NM_001378569.1); c.2149G>A, p.Glu717Lys (NM_001378571.1); c.2005G>A, p.Glu669Lys (NM_001378583.1); short protein forms E710K, E717K, E669K, E682K, E731K.
Identifiers: ClinVar variation 1969306 (VCV001969306.5), dbSNP rs1174377006, ClinGen allele CA373816520.
Genomic context (GRCh38, chr9:92,256,689, plus strand): 5'-TACAAAGAGAATAGTCCTTATTCCTGGGAGGACAGACCAAGAGAGACTCACCTGCCATTT[C>T]AGTCTCAAAGAAGCCAATGAGAGACTGCATGAAGGACAGGATCCACCGGTCTGTAATGTT-3'
Protein context (NP_002152.2, residues 700-720): MQSLIGFFET[Glu710Lys]MAAYRLYTVV